The following is an entry in ClinVar:

NM_001184.4(ATR):c.4940G>A (p.Arg1647His)

Gene: ATR (ATR checkpoint kinase; minus strand). Cytogenetic location: 3q23.
Variant type: single nucleotide variant.
Coding change: c.4940G>A on transcript NM_001184.4 (MANE Select); coding-DNA position 4940, G replaced by A.
Protein change: p.Arg1647His; replaces arginine 1647 with histidine.
Molecular consequence: missense variant.
Genome position (GRCh38, 1-based): chr3:142,508,022, C>T on the plus strand (G>A on the coding strand, the complement: ATR is on the minus strand). VCF-style: chr3-142508022-C-T. GRCh37 (hg19) VCF-style: chr3-142226864-C-T.
Other names: c.4748G>A, p.Arg1583His (NM_001354579.2); short protein forms R1647H, R1583H.
Identifiers: ClinVar variation 1744275 (VCV001744275.3), dbSNP rs758322712, ClinGen allele CA2649714.

ClinVar aggregate classification (germline): Uncertain significance. Review status: criteria provided, multiple submitters, no conflicts (2 of 4 stars). 2 submissions from 2 submitters: Uncertain significance (2). Last evaluated 2024-04-16.

Conditions:
Inborn genetic diseases. Identifiers: MedGen C0950123, MeSH D030342.

Allele frequency attached by ClinVar (database versions not stated): TOPMed below 0.00001; ExAC 0.00001; gnomAD 0.00001; gnomAD exomes 0.00001.
gnomAD v4.1: 9 of 1,612,734 alleles (0.00056%); highest among the groups gnomAD compares: Admixed American, 0.0033%; no homozygotes.

Submissions (2):

Labcorp Genetics (formerly Invitae), Labcorp
Classification: Uncertain significance. Last evaluated: 2024-04-16. Review status: criteria provided, single submitter. Criteria: Invitae Variant Classification Sherloc (09022015). Collection method: clinical testing. Allele origin: germline.
Comment: This sequence change replaces arginine, which is basic and polar, with histidine, which is basic and polar, at codon 1647 of the ATR protein (p.Arg1647His). This variant is present in population databases (rs758322712, gnomAD 0.006%). This variant has not been reported in the literature in individuals affected with ATR-related conditions. ClinVar contains an entry for this variant (Variation ID: 1744275). An algorithm developed to predict the effect of missense changes on protein structure and function (PolyPhen-2) suggests that this variant¬†is likely to be tolerated. In summary, the available evidence is currently insufficient to determine the role of this variant in disease. Therefore, it has been classified as a Variant of Uncertain Significance.

Ambry Genetics
Classification: Uncertain significance for Inborn genetic diseases. Last evaluated: 2024-02-16. Review status: criteria provided, single submitter. Criteria: Ambry Variant Classification Scheme 2023. Collection method: clinical testing. Allele origin: germline.
Comment: The p.R1647H variant (also known as c.4940G>A), located in coding exon 28 of the ATR gene, results from a G to A substitution at nucleotide position 4940. The arginine at codon 1647 is replaced by histidine, an amino acid with highly similar properties. This amino acid position is conserved. In addition, the in silico prediction for this alteration is inconclusive. Since supporting evidence is limited at this time, the clinical significance of this alteration remains unclear.